The following is an entry in ClinVar:

ClinVar aggregate classification (germline): Uncertain significance (1 of 4 stars; one submission).

Conditions:
Neurofibromatosis, type 2 (SWNV). Also called: NF2-Related Schwannomatosis; BILATERAL ACOUSTIC NEUROFIBROMATOSIS; SCHWANNOMATOSIS, VESTIBULAR. Identifiers: Orphanet 637, MedGen C0027832, MONDO:0007039, OMIM 101000. Disease mechanism: loss of function.

Submission:

Labcorp Genetics (formerly Invitae), Labcorp
Classification: Uncertain significance for Neurofibromatosis, type 2. Last evaluated: 2017-10-31. Review status: criteria provided, single submitter. Criteria: Invitae Variant Classification Sherloc (09022015). Collection method: clinical testing. Allele origin: germline.
Comment: This variant has not been reported in the literature in individuals with NF2-related disease. Algorithms developed to predict the effect of missense changes on protein structure and function do not agree on the potential impact of this missense change (SIFT: "Tolerated"; PolyPhen-2: "Probably Damaging"; Align-GVGD: "Class C0"). In summary, the available evidence is currently insufficient to determine the role of this variant in disease. Therefore, it has been classified as a Variant of Uncertain Significance. This variant is not present in population databases (ExAC no frequency). This sequence change replaces proline with threonine at codon 91 of the NF2 protein (p.Pro91Thr). The proline residue is moderately conserved and there is a small physicochemical difference between proline and threonine.

NM_000268.4(NF2):c.271C>A (p.Pro91Thr)

Gene: NF2 (NF2, moesin-ezrin-radixin like (MERLIN) tumor suppressor; plus strand). Cytogenetic location: 22q12.2.
Variant type: single nucleotide variant.
Coding change: c.271C>A on transcript NM_000268.4 (MANE Select); coding-DNA position 271, C replaced by A.
Protein change: p.Pro91Thr; replaces proline 91 with threonine.
Molecular consequence: missense variant. On other transcripts: non-coding transcript variant (1), intron variant (3).
Genome position (GRCh38, 1-based): chr22:29,639,120, C>A. VCF-style: chr22-29639120-C-A. GRCh37 (hg19) VCF-style: chr22-30035109-C-A.
Other names: c.271C>A, p.Pro91Thr (NM_016418.5, NM_181825.3, NM_181832.3 and 1 more transcripts); c.145C>A, p.Pro49Thr (NM_181828.3); c.240+2244C>A (NM_181829.3); c.115-3082C>A (NM_181830.3, NM_181831.3); short protein forms P91T, P49T.
Identifiers: ClinVar variation 527706 (VCV000527706.9), dbSNP rs1555987645, ClinGen allele CA411153125.